The following is an entry in ClinVar:

NM_001035.3(RYR2):c.12325A>G (p.Met4109Val)

Gene: RYR2 (ryanodine receptor 2; plus strand). Cytogenetic location: 1q43.
Variant type: single nucleotide variant.
Coding change: c.12325A>G on transcript NM_001035.3 (MANE Select); coding-DNA position 12325, A replaced by G.
Protein change: p.Met4109Val; replaces methionine 4109 with valine.
Molecular consequence: missense variant.
Genome position (GRCh38, 1-based): chr1:237,784,037, A>G. VCF-style: chr1-237784037-A-G. GRCh37 (hg19) VCF-style: chr1-237947337-A-G.
Other names: c.12325A>G, p.Met4109Val (LRG_402t1); short protein forms M4109V.
Identifiers: ClinVar variation 180502 (VCV000180502.6), dbSNP rs730880196, ClinGen allele CA007471.

ClinVar aggregate classification (germline): Conflicting classifications of pathogenicity. Review status: criteria provided, conflicting classifications (1 of 4 stars). 2 submissions from 2 submitters: Likely pathogenic (1); Uncertain significance (1). Last evaluated 2024-07-08.

Conditions:
Cardiovascular phenotype. Identifiers: MedGen CN230736.
Catecholaminergic polymorphic ventricular tachycardia 1. Also called: VENTRICULAR TACHYCARDIA, CATECHOLAMINERGIC POLYMORPHIC, 1, WITH OR WITHOUT ATRIAL DYSFUNCTION AND/OR DILATED CARDIOMYOPATHY; RYR2-Related Catecholaminergic Polymorphic Ventricular Tachycardia; VENTRICULAR TACHYCARDIA, STRESS-INDUCED POLYMORPHIC 1. Identifiers: Orphanet 3286, MedGen C1631597, MONDO:0011484, OMIM 604772.

Submissions (2):

Labcorp Genetics (formerly Invitae), Labcorp
Classification: Uncertain significance for Catecholaminergic polymorphic ventricular tachycardia 1. Last evaluated: 2024-07-08. Review status: criteria provided, single submitter. Criteria: Invitae Variant Classification Sherloc (09022015). Collection method: clinical testing. Allele origin: germline.
Comment: This sequence change replaces methionine, which is neutral and non-polar, with valine, which is neutral and non-polar, at codon 4109 of the RYR2 protein (p.Met4109Val). This variant is not present in population databases (gnomAD no frequency). This variant has not been reported in the literature in individuals affected with RYR2-related conditions. ClinVar contains an entry for this variant (Variation ID: 180502). Advanced modeling of protein sequence and biophysical properties (such as structural, functional, and spatial information, amino acid conservation, physicochemical variation, residue mobility, and thermodynamic stability) performed at Invitae indicates that this missense variant is not expected to disrupt RYR2 protein function with a negative predictive value of 95%. In summary, the available evidence is currently insufficient to determine the role of this variant in disease. Therefore, it has been classified as a Variant of Uncertain Significance.

Ambry Genetics
Classification: Likely pathogenic for Cardiovascular phenotype. Last evaluated: 2017-09-19. Review status: criteria provided, single submitter. Criteria: Ambry Autosomal Dominant and X-Linked criteria (3/2017). Collection method: clinical testing. Allele origin: germline. Observed: 1 variant allele.
Comment: The p.M4109V variant (also known as c.12325A>G), located in coding exon 90 of the RYR2 gene, results from an A to G substitution at nucleotide position 12325. The methionine at codon 4109 is replaced by valine, an amino acid with highly similar properties. This amino acid position is highly conserved in available vertebrate species; however, valine is the reference amino acid in other vertebrate species. In addition, the in silico prediction for this alteration is inconclusive. Based on the majority of available evidence to date, this variant is likely to be pathogenic.